The following is an entry in ClinVar:

NM_005502.4(ABCA1):c.5515C>T (p.Arg1839Cys)

Gene: ABCA1 (ATP binding cassette subfamily A member 1; minus strand). Cytogenetic location: 9q31.1.
Variant type: single nucleotide variant.
Coding change: c.5515C>T on transcript NM_005502.4 (MANE Select); coding-DNA position 5515, C replaced by T.
Protein change: p.Arg1839Cys; replaces arginine 1839 with cysteine.
Molecular consequence: missense variant.
Genome position (GRCh38, 1-based): chr9:104,793,292, G>A on the plus strand (C>T on the coding strand, the complement: ABCA1 is on the minus strand). VCF-style: chr9-104793292-G-A. GRCh37 (hg19) VCF-style: chr9-107555573-G-A.
Other names: short protein forms R1839C.
Identifiers: ClinVar variation 1463429 (VCV001463429.3), dbSNP rs755307445, ClinGen allele CA5167804.

ClinVar aggregate classification (germline): Uncertain significance (1 of 4 stars; one submission).

Allele frequency attached by ClinVar (database versions not stated): gnomAD 0.00001; gnomAD exomes 0.00001; ExAC 0.00002; TOPMed 0.00002.
gnomAD v4.1: 68 of 1,613,960 alleles (0.0042%); highest among the groups gnomAD compares: Non-Finnish European, 0.005%; no homozygotes.

Submission:

Labcorp Genetics (formerly Invitae), Labcorp
Classification: Uncertain significance. Last evaluated: 2021-12-16. Review status: criteria provided, single submitter. Criteria: Invitae Variant Classification Sherloc (09022015). Collection method: clinical testing. Allele origin: germline.
Comment: This sequence change replaces arginine, which is basic and polar, with cysteine, which is neutral and slightly polar, at codon 1839 of the ABCA1 protein (p.Arg1839Cys). This variant is present in population databases (rs755307445, gnomAD 0.01%). This variant has not been reported in the literature in individuals affected with ABCA1-related conditions. Advanced modeling of protein sequence and biophysical properties (such as structural, functional, and spatial information, amino acid conservation, physicochemical variation, residue mobility, and thermodynamic stability) performed at Invitae indicates that this missense variant is not expected to disrupt ABCA1 protein function. In summary, the available evidence is currently insufficient to determine the role of this variant in disease. Therefore, it has been classified as a Variant of Uncertain Significance.